The following is an entry in ClinVar:

ClinVar aggregate classification (germline): Uncertain significance. Review status: criteria provided, multiple submitters, no conflicts (2 of 4 stars). 3 submissions from 3 submitters: Uncertain significance (2). 1 of the submissions does not count toward it. Last evaluated 2024-10-13.

Conditions:
Fanconi anemia complementation group D2. Also called: FANCD2-Related Fanconi Anemia; FANCONI PANCYTOPENIA, TYPE 4; FANCONI ANEMIA, COMPLEMENTATION GROUP D. Identifiers: Orphanet 84, MedGen C3160738, MONDO:0009214, OMIM 227646.
Inborn genetic diseases. Identifiers: MedGen C0950123, MeSH D030342.

Allele frequency attached by ClinVar (database versions not stated): gnomAD exomes below 0.00001; gnomAD 0.00001.
gnomAD v4.1: 8 of 1,614,258 alleles (0.0005%); highest among the groups gnomAD compares: African/African-American, 0.0013%; no homozygotes.

Submissions (3):

Genomic Medicine Center of Excellence, King Faisal Specialist Hospital and Research Centre
Classification: Uncertain significance for Fanconi anemia complementation group D2. Last evaluated: 2024-10-13. Review status: criteria provided, single submitter. Criteria: ACMG Guidelines, 2015. Collection method: clinical testing. Allele origin: germline.
Comment: This variant (GRCh38; NM_033084.6:c.1166A>G:p.Tyr389Cys) results in a missense mutation with the conversion of Tyrosine (Polar amino acid) to Cystine (Polar amino acid) in the FANCD2 protein. Not observed at significant frequency in large population cohorts (gnomAD). This variant has a strong Conservation score. Multiple lines of computational evidence support a deleterious effect on the gene or gene product for this variant. ClinVar contains an entry for this variant (Variation ID: 1050596). A literature search was performed for the gene and associated variants. Based on this search no publications were found. Based on conflicting evidence or insufficient data to determine whether the variant is benign or pathogenic, the clinical significance of this alteration remains unclear. In summary, this variant meets our criteria for classification as of Unknown Clinical Significance based on the evidence outlined.

Ambry Genetics
Classification: Uncertain significance for Inborn genetic diseases. Last evaluated: 2023-12-12. Review status: criteria provided, single submitter. Criteria: Ambry Variant Classification Scheme 2023. Collection method: clinical testing. Allele origin: germline.

Department of Pathology and Laboratory Medicine, Sinai Health System
Classification: Uncertain significance. Review status: no assertion criteria provided. Collection method: clinical testing. Allele origin: unknown. Affected: yes. Study: The Canadian Open Genetics Repository (COGR). Not counted in ClinVar's aggregate classification.
Comment: The FANCD2 p.Tyr389Cys variant was not identified in the literature nor was it identified in dbSNP, ClinVar, Cosmic, LOVD 3.0 or in the following control databases: the 1000 Genomes Project, the NHLBI GO Exome Sequencing Project, the Exome Aggregation Consortium (August 8th 2016), or the Genome Aggregation Database (Feb 27, 2017). The p.Tyr389 residue is conserved in mammals but not in more distatantly related organisms and computational analyses (PolyPhen-2, SIFT, AlignGVGD, BLOSUM, MutationTaster) provide inconsistent predictions regarding the impact to the protein; this information is not very predictive of pathogenicity. The variant occurs outside of the splicing consensus sequence and in silico or computational prediction software programs (SpliceSiteFinder, MaxEntScan, NNSPLICE, GeneSplicer) do not predict a difference in splicing. In summary, based on the above information the clinical significance of this variant cannot be determined with certainty at this time. This variant is classified as a variant of uncertain significance.

NM_001018115.3(FANCD2):c.1166A>G (p.Tyr389Cys)

Genes: FANCD2 (FA complementation group D2; plus strand), LOC107303338 (3p25 FANCD2 Alu-mediated recombination region; plus strand). Cytogenetic location: 3p25.3.
Variant type: single nucleotide variant.
Coding change: c.1166A>G on transcript NM_001018115.3 (MANE Select); coding-DNA position 1166, A replaced by G.
Protein change: p.Tyr389Cys; replaces tyrosine 389 with cysteine.
Molecular consequence: missense variant.
Genome position (GRCh38, 1-based): chr3:10,046,611, A>G. VCF-style: chr3-10046611-A-G. GRCh37 (hg19) VCF-style: chr3-10088295-A-G.
Other names: c.1166A>G (NM_033084.3); c.1166A>G, p.Tyr389Cys (NM_001374253.1, NM_001374254.1, NM_033084.6 and 1 more transcripts); short protein forms Y389C.
Identifiers: ClinVar variation 1050596 (VCV001050596.3), dbSNP rs2087019381, ClinGen allele CA351733674.